The following is an entry in ClinVar:

NM_001346249.2(RALGAPA1):c.5771G>A (p.Ser1924Asn)

Gene: RALGAPA1 (Ral GTPase activating protein catalytic subunit alpha 1; minus strand). Cytogenetic location: 14q13.2.
Variant type: single nucleotide variant.
Coding change: c.5771G>A on transcript NM_001346249.2 (MANE Select); coding-DNA position 5771, G replaced by A.
Protein change: p.Ser1924Asn; replaces serine 1924 with asparagine.
Molecular consequence: missense variant.
Genome position (GRCh38, 1-based): chr14:35,635,504, C>T on the plus strand (G>A on the coding strand, the complement: RALGAPA1 is on the minus strand). VCF-style: chr14-35635504-C-T. GRCh37 (hg19) VCF-style: chr14-36104710-C-T.
Other names: c.4292G>A, p.Ser1431Asn (NM_001283043.3); c.4394G>A, p.Ser1465Asn (NM_001283044.3, NM_001346245.2, NM_001346247.2); c.5630G>A, p.Ser1877Asn (NM_001330075.3, NM_001346248.2); c.4253G>A, p.Ser1418Asn (NM_001346243.2, NM_001346246.2, NM_014990.3 and 1 more transcripts); short protein forms S1418N, S1431N, S1465N, S1877N, S1924N.
Identifiers: ClinVar variation 4873898 (VCV004873898.2).
Genomic context (GRCh38, chr14:35,635,504, plus strand): 5'-AATAAAGCAAGGAAGTTTACCTTATAAATGCAATTGAGAACAGATTTTTCTGTTTTATCG[C>T]TTTCTGCTCCCGTAGCATGAAATGGTTGGAGCAGTGTCTTTAGAGGTAAGGCCATGATCC-3'
Protein context (NP_001333178.1, residues 1914-1934): LQPFHATGAE[Ser1924Asn]DKTEKSVLNC

ClinVar aggregate classification (germline): Uncertain significance (1 of 4 stars; one submission).

gnomAD v4.1: 3 of 1,606,510 alleles (0.00019%); highest among the groups gnomAD compares: South Asian, 0.0022%; no homozygotes.

Submission:

CeGaT Center for Human Genetics Tuebingen
Classification: Uncertain significance. Last evaluated: 2026-04-01. Review status: criteria provided, single submitter. Criteria: CeGaT Center For Human Genetics Tuebingen Variant Classification Criteria Version 2. Collection method: clinical testing. Allele origin: germline. Affected: yes. Observed: 1 variant allele.
Comment: RALGAPA1: PM2, BP4